The following is an entry in ClinVar:

NM_000492.4(CFTR):c.1199T>C (p.Phe400Ser)

Gene: CFTR (CF transmembrane conductance regulator; plus strand). Cytogenetic location: 7q31.2.
Variant type: single nucleotide variant.
Coding change: c.1199T>C on transcript NM_000492.4 (MANE Select); coding-DNA position 1199, T replaced by C.
Protein change: p.Phe400Ser; replaces phenylalanine 400 with serine.
Molecular consequence: missense variant.
Genome position (GRCh38, 1-based): chr7:117,542,098, T>C. VCF-style: chr7-117542098-T-C. GRCh37 (hg19) VCF-style: chr7-117182152-T-C.
Other names: short protein forms F400S.
Identifiers: ClinVar variation 651282 (VCV000651282.9), dbSNP rs1325574209, ClinGen allele CA368980247.

ClinVar aggregate classification (germline): Uncertain significance. Review status: criteria provided, multiple submitters, no conflicts (2 of 4 stars). 3 submissions from 3 submitters: Uncertain significance (2). 1 of the submissions does not count toward it. Last evaluated 2023-08-23.

Conditions:
Cystic fibrosis (CF). Also called: MUCOVISCIDOSIS. Identifiers: Orphanet 586, MedGen C0010674, MONDO:0009061, OMIM 219700. Disease mechanism: loss of function.
CFTR-related disorder (CFTR-RD). Also called: CFTR-related condition; CFTR-related disorders. Identifiers: MedGen C5924204, MONDO:7770004.

Allele frequency attached by ClinVar (database versions not stated): gnomAD exomes below 0.00001; gnomAD 0.00002; TOPMed 0.00002.
gnomAD v4.1: 4 of 1,580,296 alleles (0.00025%); highest among the groups gnomAD compares: African/African-American, 0.004%; no homozygotes.

Submissions (3):

Ambry Genetics
Classification: Uncertain significance for Cystic fibrosis. Last evaluated: 2023-08-23. Review status: criteria provided, single submitter. Criteria: Ambry Variant Classification Scheme 2023. Collection method: clinical testing. Allele origin: germline.
Comment: The p.F400S variant (also known as c.1199T>C), located in coding exon 9 of the CFTR gene, results from a T to C substitution at nucleotide position 1199. The phenylalanine at codon 400 is replaced by serine, an amino acid with highly dissimilar properties. This amino acid position is not well conserved in available vertebrate species. In addition, the in silico prediction for this alteration is inconclusive. Since supporting evidence is limited at this time, the clinical significance of this alteration remains unclear.

Labcorp Genetics (formerly Invitae), Labcorp
Classification: Uncertain significance for Cystic fibrosis. Last evaluated: 2021-08-27. Review status: criteria provided, single submitter. Criteria: Invitae Variant Classification Sherloc (09022015). Collection method: clinical testing. Allele origin: germline.
Comment: This sequence change replaces phenylalanine with serine at codon 400 of the CFTR protein (p.Phe400Ser). The phenylalanine residue is moderately conserved and there is a large physicochemical difference between phenylalanine and serine. This variant is not present in population databases (ExAC no frequency). This variant has not been reported in the literature in individuals affected with CFTR-related conditions. Algorithms developed to predict the effect of missense changes on protein structure and function (SIFT, PolyPhen-2, Align-GVGD) all suggest that this variant is likely to be tolerated. In summary, the available evidence is currently insufficient to determine the role of this variant in disease. Therefore, it has been classified as a Variant of Uncertain Significance.

Natera, Inc.
Classification: Uncertain significance for CFTR-related disorders. Last evaluated: 2018-11-25. Review status: no assertion criteria provided. Collection method: clinical testing. Allele origin: germline. Not counted in ClinVar's aggregate classification.